The following is an entry in ClinVar:

Conditions:
Breast-ovarian cancer, familial, susceptibility to, 1 (BROVCA1). Also called: BRCA1 Hereditary Breast and Ovarian Cancer; OVARIAN CANCER, SUSCEPTIBILITY TO. Identifiers: Orphanet 145, MedGen C2676676, MONDO:0011450, OMIM 604370. Disease mechanism: loss of function.

Submission:

Brotman Baty Institute, University of Washington
No classification provided (evidence only). Condition: Breast-ovarian cancer, familial 1. Review status: no classification provided. Collection method: in vitro. Allele origin: not applicable. Functional consequence: functionally_normal.
ClinVar note: "not provided" was previously submitted as the classification for the variant. However, the classification appeared to be based only on an observation of functional data so it was converted to no classification on 2025-07-30.

NM_007294.4(BRCA1):c.5075-8T>A

Gene: BRCA1 (BRCA1 DNA repair associated; minus strand). Cytogenetic location: 17q21.31.
Variant type: single nucleotide variant.
Coding change: c.5075-8T>A on transcript NM_007294.4 (MANE Select); 8 bases into the intron before coding-DNA position 5075, T replaced by A.
Molecular consequence: intron variant.
Genome position (GRCh38, 1-based): chr17:43,063,959, A>T on the plus strand (T>A on the coding strand, the complement: BRCA1 is on the minus strand). VCF-style: chr17-43063959-A-T. GRCh37 (hg19) VCF-style: chr17-41215976-A-T.
Other names: c.1622-8T>A (NM_001408458.1, NM_001408461.1, NM_001408464.1 and 7 more transcripts); c.4184-8T>A (NM_001407967.1); c.4694-8T>A (NM_001407959.1); c.4808-8T>A (NM_001407931.1, NM_001407932.1, NM_001407928.1 and 4 more transcripts); c.4931-8T>A (NM_001407747.1, NM_001407745.1, NM_001407737.1 and 21 more transcripts); c.4691-8T>A (NM_001407962.1, NM_001407960.1); c.1262-8T>A (NM_001408512.1); c.1385-8T>A (NM_001408510.1); and 73 more.
Identifiers: ClinVar variation 864917 (VCV000864917.3), dbSNP rs397509221, ClinGen allele CA916080135.
Genomic context (GRCh38, chr17:43,063,959, plus strand): 5'-TCCCGCAATTCCTAGAAAATATTTCAGTGTCCGTTCACACACAAACTCAGCATCTGCAGA[A>T]TGAAAAACACTCAAAGGATTAGAAGTTGAAAACAAAATCAGGAAGTGCTGTCCTAAGAAG-3'